The following is an entry in ClinVar:

ClinVar aggregate classification (germline): Likely pathogenic. Review status: criteria provided, multiple submitters, no conflicts (2 of 4 stars). 2 submissions from 2 submitters: Likely pathogenic (2). Last evaluated 2024-11-21.

Conditions:
GRACILE syndrome (FLNMS). Also called: FELLMAN SYNDROME; FINNISH LETHAL NEONATAL METABOLIC SYNDROME. Identifiers: Orphanet 53693, MedGen C1864002, MONDO:0011308, OMIM 603358.

Submissions (2):

Natera, Inc.
Classification: Likely pathogenic for GRACILE syndrome. Last evaluated: 2024-11-21. Review status: criteria provided, single submitter. Criteria: Natera Variant Classification Schema (03/2026). Collection method: clinical testing. Allele origin: germline.
Comment: The c.889+2T>G variant in BCS1L is a canonical splice donor site variant predicted to affect pre-mRNA splicing, which may result in an abnormal transcript and altered protein product. This variant is expected to result in nonsense mediated decay, truncation, or a dysfunctional protein product. This variant is rare in the general population with a frequency below the threshold expected for the associated phenotype(s). Given the available evidence, this variant is classified as Likely Pathogenic.

Labcorp Genetics (formerly Invitae), Labcorp
Classification: Likely pathogenic. Last evaluated: 2022-05-12. Review status: criteria provided, single submitter. Criteria: Invitae Variant Classification Sherloc (09022015). Collection method: clinical testing. Allele origin: germline.
Comment: This sequence change affects a donor splice site in intron 7 of the BCS1L gene. It is expected to disrupt RNA splicing. Variants that disrupt the donor or acceptor splice site typically lead to a loss of protein function (PMID: 16199547), and loss-of-function variants in BCS1L are known to be pathogenic (PMID: 12215968, 17314340, 19162478, 19508421, 22277166, 25895478). This variant is not present in population databases (gnomAD no frequency). This variant has not been reported in the literature in individuals affected with BCS1L-related conditions. Algorithms developed to predict the effect of sequence changes on RNA splicing suggest that this variant may disrupt the consensus splice site. In summary, the currently available evidence indicates that the variant is pathogenic, but additional data are needed to prove that conclusively. Therefore, this variant has been classified as Likely Pathogenic.

Literature cited by the submitters: PubMed 16199547 (cited by Labcorp Genetics (formerly Invitae), Labcorp); PubMed 12215968 (cited by Labcorp Genetics (formerly Invitae), Labcorp); PubMed 17314340 (cited by Labcorp Genetics (formerly Invitae), Labcorp); PubMed 19162478 (cited by Labcorp Genetics (formerly Invitae), Labcorp); PubMed 19508421 (cited by Labcorp Genetics (formerly Invitae), Labcorp); PubMed 22277166 (cited by Labcorp Genetics (formerly Invitae), Labcorp); PubMed 25895478 (cited by Labcorp Genetics (formerly Invitae), Labcorp).

NM_001079866.2(BCS1L):c.889+2T>G

Gene: BCS1L (BCS1 ubiquinol-cytochrome c reductase complex chaperone; plus strand). Cytogenetic location: 2q35.
Variant type: single nucleotide variant.
Coding change: c.889+2T>G on transcript NM_001079866.2 (MANE Select); the canonical splice donor site of the intron after coding-DNA position 889, T replaced by G.
Molecular consequence: splice donor variant.
Genome position (GRCh38, 1-based): chr2:218,662,681, T>G. VCF-style: chr2-218662681-T-G. GRCh37 (hg19) VCF-style: chr2-219527404-T-G.
Other names: c.889+2T>G (NM_001374085.1, NM_001371446.1, NM_001371450.1 and 11 more transcripts); c.388+2T>G (NM_001374086.1, NM_001371454.1, NM_001371453.1 and 3 more transcripts); c.529+2T>G (NM_001371451.1, NM_001318836.2).
Identifiers: ClinVar variation 1993553 (VCV001993553.5), dbSNP rs2469890771, ClinGen allele CA350630687.
Genomic context (GRCh38, chr2:218,662,681, plus strand): 5'-CCTGGTACTCCTGGAGGATGTGGATGCTGCTTTTCTCAGTCGAGACTTGGCTGTGGAGAG[T>G]AAGTGAGGGGTTCTGGAGGAAGTGGAGTGGGTAACTGTGGAACAGGGGAAGAAAGCAGAA-3'